The following is an entry in ClinVar:

NM_006073.4(TRDN):c.1668A>G (p.Lys556=)

Gene: TRDN (triadin; minus strand). Cytogenetic location: 6q22.31.
Variant type: single nucleotide variant.
Coding change: c.1668A>G on transcript NM_006073.4 (MANE Select); coding-DNA position 1668, A replaced by G.
Protein change: p.Lys556=; no amino-acid change (lysine 556 retained).
Molecular consequence: synonymous variant.
Genome position (GRCh38, 1-based): chr6:123,272,968, T>C on the plus strand (A>G on the coding strand, the complement: TRDN is on the minus strand). VCF-style: chr6-123272968-T-C. GRCh37 (hg19) VCF-style: chr6-123594113-T-C.
Identifiers: ClinVar variation 3076194 (VCV003076194.1), dbSNP rs1777253683, ClinGen allele CA452054685.

ClinVar aggregate classification (germline): Uncertain significance (1 of 4 stars; one submission).

Conditions:
Cardiovascular phenotype. Identifiers: MedGen CN230736.

Allele frequency attached by ClinVar (database versions not stated): gnomAD exomes below 0.00001; TOPMed below 0.00001.
gnomAD v4.1: 5 of 1,530,254 alleles (0.00033%); highest among the groups gnomAD compares: South Asian, 0.0038%; no homozygotes.

Submission:

Ambry Genetics
Classification: Uncertain significance for Cardiovascular phenotype. Last evaluated: 2019-11-19. Review status: criteria provided, single submitter. Criteria: Ambry Variant Classification Scheme 2023. Collection method: clinical testing. Allele origin: germline.
Comment: The c.1668A>G (p.K556K) alteration is located in exon 29 (coding exon 29) of the TRDN gene. This alteration consists of a A to G substitution at nucleotide position 1668. This nucleotide substitution does not change the amino acid at codon 556. However, this change occurs in the last nucleotide of Exon 29 (c.1625_1672) which makes it likely to have some effect on normal mRNA splicing. Based on insufficient or conflicting evidence, the clinical significance of this alteration remains unclear.